The following is an entry in ClinVar:

ClinVar aggregate classification (germline): Benign. Review status: criteria provided, multiple submitters, no conflicts (2 of 4 stars). 2 submissions from 2 submitters: Benign (2). Last evaluated 2018-06-14.

Allele frequency attached by ClinVar (database versions not stated): gnomAD 0.10050 and 0.10758; 1000 Genomes Project 0.11182; TOPMed 0.11366; 1000 Genomes Project 30x 0.11587.
gnomAD v4.1: 15,165 of 152,106 alleles (10%); highest among the groups gnomAD compares: African/African-American, 34%; 2,441 homozygotes.

Submissions (2):

GeneDx
Classification: Benign. Last evaluated: 2018-06-14. Review status: criteria provided, single submitter. Criteria: GeneDx Variant Classification (06012015). Collection method: clinical testing. Allele origin: germline. Affected: yes.
Comment: This variant is considered likely benign or benign based on one or more of the following criteria: it is a conservative change, it occurs at a poorly conserved position in the protein, it is predicted to be benign by multiple in silico algorithms, and/or has population frequency not consistent with disease.

Breakthrough Genomics
Classification: Benign. Review status: criteria provided, single submitter. Criteria: ACMG Guidelines, 2015. Collection method: not provided. Allele origin: germline. Inheritance: Autosomal recessive inheritance. Affected: yes.

NM_147127.5(EVC2):c.1886+162C>T

Gene: EVC2 (EvC ciliary complex subunit 2; minus strand). Cytogenetic location: 4p16.2.
Variant type: single nucleotide variant.
Coding change: c.1886+162C>T on transcript NM_147127.5 (MANE Select); 162 bases into the intron after coding-DNA position 1886, C replaced by T.
Molecular consequence: intron variant.
Genome position (GRCh38, 1-based): chr4:5,628,397, G>A on the plus strand (C>T on the coding strand, the complement: EVC2 is on the minus strand). VCF-style: chr4-5628397-G-A. GRCh37 (hg19) VCF-style: chr4-5630124-G-A.
Other names: c.1646+162C>T (NM_001166136.2).
Identifiers: ClinVar variation 670008 (VCV000670008.2), dbSNP rs79426828, ClinGen allele CA91705107.